The following is an entry in ClinVar:

ClinVar aggregate classification (germline): Uncertain significance (1 of 4 stars; one submission).

Conditions:
Cardiovascular phenotype. Identifiers: MedGen CN230736.

Submission:

Ambry Genetics
Classification: Uncertain significance for Cardiovascular phenotype. Last evaluated: 2025-12-04. Review status: criteria provided, single submitter. Criteria: Ambry Variant Classification Scheme 2023. Collection method: clinical testing. Allele origin: germline.
Comment: The p.L1158V variant (also known as c.3472C>G), located in coding exon 47 of the COL1A1 gene, results from a C to G substitution at nucleotide position 3472. The leucine at codon 1158 is replaced by valine, an amino acid with highly similar properties. This amino acid position is conserved. In addition, the in silico prediction for this alteration is inconclusive. Based on the available evidence, the clinical significance of this variant remains unclear.

NM_000088.4(COL1A1):c.3472C>G (p.Leu1158Val)

Gene: COL1A1 (collagen type I alpha 1 chain; minus strand). Cytogenetic location: 17q21.33.
Variant type: single nucleotide variant.
Coding change: c.3472C>G on transcript NM_000088.4 (MANE Select); coding-DNA position 3472, C replaced by G.
Protein change: p.Leu1158Val; replaces leucine 1158 with valine.
Molecular consequence: missense variant.
Genome position (GRCh38, 1-based): chr17:50,187,074, G>C on the plus strand (C>G on the coding strand, the complement: COL1A1 is on the minus strand). VCF-style: chr17-50187074-G-C. GRCh37 (hg19) VCF-style: chr17-48264435-G-C.
Other names: short protein forms L1158V.
Identifiers: ClinVar variation 4613922 (VCV004613922.1).